The following is an entry in ClinVar:

NM_014489.4(PGAP2):c.708+4C>T

Gene: PGAP2 (post-GPI attachment to proteins 2; plus strand). Cytogenetic location: 11p15.4.
Variant type: single nucleotide variant.
Coding change: c.708+4C>T on transcript NM_014489.4 (MANE Select); 4 bases into the intron after coding-DNA position 708, C replaced by T.
Molecular consequence: intron variant. On other transcripts: missense variant (4), non-coding transcript variant (2).
Genome position (GRCh38, 1-based): chr11:3,824,380, C>T. VCF-style: chr11-3824380-C-T. GRCh37 (hg19) VCF-style: chr11-3845610-C-T.
Other names: c.529C>T, p.Arg177Trp (NM_001256237.2, NM_001256238.2, NM_001346404.1); c.712C>T, p.Arg238Trp (NM_001346403.1); c.579+4C>T (NM_001256235.2); c.268+4C>T (NM_001283040.1); c.523+16C>T (NM_001346401.2); c.678+4C>T (NM_001346397.2); c.708+4C>T (NM_001256236.2); c.535+4C>T (NM_001346399.2); and 4 more; short protein forms R177W, R238W, R234W.
Identifiers: ClinVar variation 2231389 (VCV002231389.2), dbSNP rs201840801, ClinGen allele CA5829844.

ClinVar aggregate classification (germline): Uncertain significance (1 of 4 stars; one submission).

Conditions:
Inborn genetic diseases. Identifiers: MedGen C0950123, MeSH D030342.

Allele frequency attached by ClinVar (database versions not stated): ExAC 0.00002; gnomAD 0.00003; TOPMed 0.00003; ESP Exome Variant Server 0.00008; 1000 Genomes Project 30x 0.00016; 1000 Genomes Project 0.00020.
gnomAD v4.1: 34 of 1,614,088 alleles (0.0021%); highest among the groups gnomAD compares: South Asian, 0.0088%; no homozygotes.

Submission:

Ambry Genetics
Classification: Uncertain significance for Inborn genetic diseases. Last evaluated: 2021-06-25. Review status: criteria provided, single submitter. Criteria: Ambry Variant Classification Scheme 2023. Collection method: clinical testing. Allele origin: germline.
Comment: The c.708+4C>T intronic alteration consists of a C to T substitution 4 nucleotides after exon 5 (coding exon 4) of the PGAP2 gene. Based on insufficient or conflicting evidence, the clinical significance of this alteration remains unclear.